The following is an entry in ClinVar:

NM_005591.4(MRE11):c.1222dup (p.Thr408fs)

Gene: MRE11 (MRE11 double strand break repair nuclease; minus strand). Cytogenetic location: 11q21.
Variant type: Duplication.
Coding change: c.1222dup on transcript NM_005591.4 (MANE Select); coding-DNA position 1222, one base duplicated (A; older notation c.1222dupA).
Protein change: p.Thr408fs; shifts the reading frame from threonine 408.
Molecular consequence: frameshift variant.
Genome position (GRCh38, 1-based): chr11:94,464,116, T duplicated on the plus strand (A on the coding strand, the reverse complement: MRE11 is on the minus strand); the first of 6 consecutive T bases (chr11:94,464,116-94,464,121); duplicating any one gives the same sequence. VCF-style (leftmost placement, unchanged base first): chr11-94464115-G-GT. GRCh37 (hg19) VCF-style: chr11-94197281-G-GT.
Other names: c.1222dupA (NM_005591.3); c.1222dup, p.Thr408fs (NM_001330347.2, NM_005590.4); short protein forms T408fs.
Identifiers: ClinVar variation 184556 (VCV000184556.56), dbSNP rs774440500, ClinGen allele CA189291.
Genomic context (GRCh38, chr11:94,464,115, plus strand): 5'-GATTCCTTCACAAATCCTATAAGAACATTTTTTTACCTCATAAAAATAACTAGCTTACCT[G>GT]TTTTTTCCTTTTGTTCTCTATGCCTGAAAAAATGGATAATGTCTTTTGGATTAGCTACCC-3'

ClinVar aggregate classification (germline): Pathogenic/Likely pathogenic. Review status: criteria provided, multiple submitters, no conflicts (2 of 4 stars). 4 submissions from 4 submitters: Pathogenic (2); Likely pathogenic (2). Last evaluated 2024-06-01.

Conditions:
Ataxia-telangiectasia-like disorder (ATLD). Identifiers: MedGen C1858391, MONDO:0011457.
Hereditary cancer-predisposing syndrome. Also called: Tumor predisposition; Neoplastic Syndromes, Hereditary; Hereditary Cancer Syndrome; Hereditary neoplastic syndrome. Identifiers: Orphanet 140162, MedGen C0027672, MeSH D009386, MONDO:0015356.
Ataxia-telangiectasia-like disorder 1 (ATLD1). Identifiers: Orphanet 251347, MedGen C4012790, MONDO:0024557, OMIM 604391.

Submissions (4):

CeGaT Center for Human Genetics Tuebingen
Classification: Likely pathogenic. Last evaluated: 2024-06-01. Review status: criteria provided, single submitter. Criteria: CeGaT Center For Human Genetics Tuebingen Variant Classification Criteria Version 2. Collection method: clinical testing. Allele origin: germline. Affected: yes. Observed: 3 variant alleles.
Comment: MRE11: PVS1

Labcorp Genetics (formerly Invitae), Labcorp
Classification: Pathogenic for Ataxia-telangiectasia-like disorder. Last evaluated: 2023-09-12. Review status: criteria provided, single submitter. Criteria: Invitae Variant Classification Sherloc (09022015). Collection method: clinical testing. Allele origin: germline.
Comment: For these reasons, this variant has been classified as Pathogenic. ClinVar contains an entry for this variant (Variation ID: 184556). This premature translational stop signal has been observed in individual(s) with prostate cancer (PMID: 27433846). This variant is present in population databases (rs774440500, gnomAD 0.004%). This sequence change creates a premature translational stop signal (p.Thr408Asnfs*49) in the MRE11 gene. It is expected to result in an absent or disrupted protein product. Loss-of-function variants in MRE11 are known to be pathogenic (PMID: 23080121, 23912341).

Ambry Genetics
Classification: Pathogenic for Hereditary cancer-predisposing syndrome. Last evaluated: 2021-10-12. Review status: criteria provided, single submitter. Criteria: Ambry Variant Classification Scheme 2023. Collection method: clinical testing. Allele origin: germline.
Comment: The c.1222dupA pathogenic mutation, located in coding exon 10 of the MRE11A gene, results from a duplication of A at nucleotide position 1222, causing a translational frameshift with a predicted alternate stop codon (p.T408Nfs*49). This variant was reported in 1/60,466 breast cancer cases and in 1/53,461 controls (Dorling et al. N Engl J Med. 2021 02;384:428-439). This variant was also identified in 1/692 men with metastatic prostate cancer who were unselected for family history of cancer or age at diagnosis (Pritchard CC et al. N Engl J Med, 2016 Aug;375:443-53), as well as in a proband with pancreatic cancer (Hu C et al. JAMA 2018 06;319(23):2401-2409). In addition to the clinical data presented in the literature, this alteration is expected to result in loss of function by premature protein truncation or nonsense-mediated mRNA decay. As such, this alteration is interpreted as a disease-causing mutation.

Institute of Human Genetics, University Hospital of Duesseldorf
Classification: Likely pathogenic for Ataxia-telangiectasia-like disorder 1. Review status: criteria provided, single submitter. Criteria: ACMG Guidelines, 2015. Collection method: not provided. Allele origin: germline. Inheritance: Autosomal recessive inheritance. Affected: yes.

Literature cited by the submitters: PubMed 27433846 (cited by Labcorp Genetics (formerly Invitae), Labcorp and Ambry Genetics); PubMed 23080121 (cited by Labcorp Genetics (formerly Invitae), Labcorp); PubMed 23912341 (cited by Labcorp Genetics (formerly Invitae), Labcorp); PubMed 33471991 (cited by Ambry Genetics).